The following is an entry in ClinVar:

ClinVar aggregate classification (germline): Uncertain significance (1 of 4 stars; one submission).

Conditions:
Autosomal recessive ataxia, Beauce type. Also called: Spinocerebellar ataxia, autosomal recessive 8; ATAXIA, RECESSIVE, OF BEAUCE; SYNE1-Related Autosomal Recessive Cerebellar Ataxia; SYNE1 Deficiency. Identifiers: Orphanet 88644, MedGen C1853116, MONDO:0012549, OMIM 610743.
Emery-Dreifuss muscular dystrophy 4, autosomal dominant (EDMD4). Also called: EMERY-DREIFUSS MUSCULAR DYSTROPHY 4 WITH VARIABLE FEATURES. Identifiers: Orphanet 261, MedGen C2751807, MONDO:0013071, OMIM 612998.

Allele frequency attached by ClinVar (database versions not stated): gnomAD 0.00001; gnomAD exomes 0.00002; TOPMed 0.00002.
gnomAD v4.1: 27 of 1,613,102 alleles (0.0017%); highest among the groups gnomAD compares: Non-Finnish European, 0.0023%; no homozygotes.

Submission:

Labcorp Genetics (formerly Invitae), Labcorp
Classification: Uncertain significance for Emery-Dreifuss muscular dystrophy 4, autosomal dominant; Autosomal recessive ataxia, Beauce type. Last evaluated: 2021-08-24. Review status: criteria provided, single submitter. Criteria: Invitae Variant Classification Sherloc (09022015). Collection method: clinical testing. Allele origin: germline.
Comment: This sequence change replaces leucine with glutamine at codon 2893 of the SYNE1 protein (p.Leu2893Gln). The leucine residue is highly conserved and there is a moderate physicochemical difference between leucine and glutamine. This variant is not present in population databases (ExAC no frequency). This variant has not been reported in the literature in individuals affected with SYNE1-related conditions. Algorithms developed to predict the effect of missense changes on protein structure and function (SIFT, PolyPhen-2, Align-GVGD) all suggest that this variant is likely to be disruptive. In summary, the available evidence is currently insufficient to determine the role of this variant in disease. Therefore, it has been classified as a Variant of Uncertain Significance.

NM_182961.4(SYNE1):c.8657T>A (p.Leu2886Gln)

Genes: SYNE1-AS1 (SYNE1 antisense RNA 1; plus strand), SYNE1 (spectrin repeat containing nuclear envelope protein 1; minus strand). Cytogenetic location: 6q25.2.
Variant type: single nucleotide variant.
Coding change: c.8657T>A on transcript NM_182961.4 (MANE Select); coding-DNA position 8657, T replaced by A.
Protein change: p.Leu2886Gln; replaces leucine 2886 with glutamine.
Molecular consequence: missense variant. On other transcripts: non-coding transcript variant (1).
Genome position (GRCh38, 1-based): chr6:152,381,358, A>T on the plus strand (T>A on the coding strand, the complement: SYNE1 is on the minus strand). VCF-style: chr6-152381358-A-T. GRCh37 (hg19) VCF-style: chr6-152702493-A-T.
Other names: c.8678T>A, p.Leu2893Gln (NM_033071.5); short protein forms L2886Q, L2893Q.
Identifiers: ClinVar variation 2420018 (VCV002420018.3), dbSNP rs1177316958, ClinGen allele CA366144839.